The following is an entry in ClinVar:

ClinVar aggregate classification (germline): Uncertain significance (1 of 4 stars; one submission).

Submission:

Labcorp Genetics (formerly Invitae), Labcorp
Classification: Uncertain significance. Last evaluated: 2025-05-30. Review status: criteria provided, single submitter. Criteria: Invitae Variant Classification Sherloc (09022015). Collection method: clinical testing. Allele origin: germline.
Comment: This sequence change replaces glutamic acid, which is acidic and polar, with glycine, which is neutral and non-polar, at codon 364 of the MSN protein (p.Glu364Gly). This variant is present in population databases (rs759526715, gnomAD 0.003%). This variant has not been reported in the literature in individuals affected with MSN-related conditions. An algorithm developed to predict the effect of missense changes on protein structure and function (PolyPhen-2) suggests that this variant is likely to be disruptive. In summary, the available evidence is currently insufficient to determine the role of this variant in disease. Therefore, it has been classified as a Variant of Uncertain Significance.

NM_002444.3(MSN):c.1091A>G (p.Glu364Gly)

Gene: MSN (moesin; plus strand). Cytogenetic location: Xq12.
Variant type: single nucleotide variant.
Coding change: c.1091A>G on transcript NM_002444.3 (MANE Select); coding-DNA position 1091, A replaced by G.
Protein change: p.Glu364Gly; replaces glutamic acid 364 with glycine.
Molecular consequence: missense variant.
Genome position (GRCh38, 1-based): chrX:65,737,178, A>G. VCF-style: chrX-65737178-A-G. GRCh37 (hg19) VCF-style: chrX-64957040-A-G.
Other names: c.1094A>G, p.Glu365Gly (NM_001440778.1); short protein forms E364G, E365G.
Identifiers: ClinVar variation 4761647 (VCV004761647.1).
Genomic context (GRCh38, chrX:65,737,178, plus strand): 5'-CTATTGTGTCGTCTTTATCTCTGTGCTCTTCACTGCCTTCTCCCCTCCTTTTCTGCTCAG[A>G]ACTGGAAGAACAGACCCGTAGGGCTCTGGAACTTGAGCAGGAACGGAAGCGTGCCCAGAG-3'
Protein context (NP_002435.1, residues 354-374): IEEQTKKAQQ[Glu364Gly]LEEQTRRALE